The following is an entry in ClinVar:

NM_001330078.2(NRXN1):c.2582T>C (p.Val861Ala)

Gene: NRXN1 (neurexin 1; minus strand). Cytogenetic location: 2p16.3.
Variant type: single nucleotide variant.
Coding change: c.2582T>C on transcript NM_001330078.2 (MANE Select); coding-DNA position 2582, T replaced by C.
Protein change: p.Val861Ala; replaces valine 861 with alanine.
Molecular consequence: missense variant.
Genome position (GRCh38, 1-based): chr2:50,497,630, A>G on the plus strand (T>C on the coding strand, the complement: NRXN1 is on the minus strand). VCF-style: chr2-50497630-A-G. GRCh37 (hg19) VCF-style: chr2-50724768-A-G.
Other names: c.2702T>C, p.Val901Ala (NM_001135659.3); c.2558T>C, p.Val853Ala (NM_001330077.2, NM_001330082.2); c.2516T>C, p.Val839Ala (NM_001330083.2, NM_001330084.2); c.2555T>C, p.Val852Ala (NM_001330085.2); c.2582T>C, p.Val861Ala (NM_001330086.2, NM_004801.6); c.2471T>C, p.Val824Ala (NM_001330087.2, NM_001330096.2); c.2501T>C, p.Val834Ala (NM_001330088.2); c.2579T>C, p.Val860Ala (NM_001330093.2); and 2 more; short protein forms V824A, V852A, V834A, V844A, V853A, V860A, V901A, V857A.
Identifiers: ClinVar variation 847024 (VCV000847024.9), dbSNP rs765137218, ClinGen allele CA1654763.

ClinVar aggregate classification (germline): Uncertain significance (1 of 4 stars; one submission).

Conditions:
Pitt-Hopkins-like syndrome 2 (PTHSL2). Identifiers: Orphanet 221150, Orphanet 600663, MedGen C3280479, MONDO:0013690, OMIM 614325.

Allele frequency attached by ClinVar (database versions not stated): TOPMed below 0.00001; gnomAD 0.00001; gnomAD exomes 0.00001; ExAC 0.00002.
gnomAD v4.1: 4 of 1,613,744 alleles (0.00025%); highest among the groups gnomAD compares: Non-Finnish European, 0.00034%; no homozygotes.

Submission:

Labcorp Genetics (formerly Invitae), Labcorp
Classification: Uncertain significance for Pitt-Hopkins-like syndrome 2. Last evaluated: 2020-02-18. Review status: criteria provided, single submitter. Criteria: Invitae Variant Classification Sherloc (09022015). Collection method: clinical testing. Allele origin: germline.
Comment: In summary, the available evidence is currently insufficient to determine the role of this variant in disease. Therefore, it has been classified as a Variant of Uncertain Significance. Algorithms developed to predict the effect of missense changes on protein structure and function (SIFT, PolyPhen-2, Align-GVGD) all suggest that this variant is likely to be tolerated, but these predictions have not been confirmed by published functional studies and their clinical significance is uncertain. This variant has not been reported in the literature in individuals with NRXN1-related conditions. This variant is present in population databases (rs765137218, ExAC 0.003%). This sequence change replaces valine with alanine at codon 901 of the NRXN1 protein (p.Val901Ala). The valine residue is highly conserved and there is a small physicochemical difference between valine and alanine.